The following is an entry in ClinVar:

ClinVar aggregate classification (germline): Uncertain significance (1 of 4 stars; one submission).

gnomAD v4.1: 4 of 1,612,342 alleles (0.00025%); highest among the groups gnomAD compares: African/African-American, 0.0027%; no homozygotes.

Submission:

GeneDx
Classification: Uncertain significance. Last evaluated: 2024-04-01. Review status: criteria provided, single submitter. Criteria: GeneDx Variant Classification Process June 2021. Collection method: clinical testing. Allele origin: germline. Affected: yes.
Comment: Not observed at significant frequency in large population cohorts (gnomAD); Missense variant in a gene in which most reported pathogenic variants are truncating/loss of function; Has not been previously published as pathogenic or benign to our knowledge

NM_001267550.2(TTN):c.33427G>A (p.Val11143Met)

Gene: TTN (titin; minus strand). Cytogenetic location: 2q31.2.
Variant type: single nucleotide variant.
Coding change: c.33427G>A on transcript NM_001267550.2 (MANE Select); coding-DNA position 33427, G replaced by A.
Protein change: p.Val11143Met; replaces valine 11143 with methionine.
Molecular consequence: missense variant. On other transcripts: intron variant (3).
Genome position (GRCh38, 1-based): chr2:178,680,047, C>T on the plus strand (G>A on the coding strand, the complement: TTN is on the minus strand). VCF-style: chr2-178680047-C-T. GRCh37 (hg19) VCF-style: chr2-179544774-C-T.
Other names: c.32476G>A, p.Val10826Met (NM_001256850.1); c.29695G>A, p.Val9899Met (NM_133378.4); c.13283-37730G>A (NM_003319.4); c.13859-37730G>A (NM_133437.4); c.13658-37730G>A (NM_133432.3); short protein forms V10826M, V11143M, V9899M.
Identifiers: ClinVar variation 3371671 (VCV003371671.1).
Genomic context (GRCh38, chr2:178,680,047, plus strand): 5'-CTACATGGGTTACAACTTCCTCTTCAAAGGCAACCTCTTCTGGTTCAAGTTCTTTAGGCA[C>T]TTCTGGCACTTTAAAGATATTATCTTTAAGTTGGACATTTGCCAATGACTCAACAAAATT-3'
Protein context (NP_001254479.2, residues 11133-11153): EVAPPVRVPE[Val11143Met]PKELEPEEVA